The following is an entry in ClinVar:

NM_003924.4(PHOX2B):c.841A>C (p.Thr281Pro)

Gene: PHOX2B (paired like homeobox 2B; minus strand). Cytogenetic location: 4p13.
Variant type: single nucleotide variant.
Coding change: c.841A>C on transcript NM_003924.4 (MANE Select); coding-DNA position 841, A replaced by C.
Protein change: p.Thr281Pro; replaces threonine 281 with proline.
Molecular consequence: missense variant.
Genome position (GRCh38, 1-based): chr4:41,745,911, T>G on the plus strand (A>C on the coding strand, the complement: PHOX2B is on the minus strand). VCF-style: chr4-41745911-T-G. GRCh37 (hg19) VCF-style: chr4-41747928-T-G.
Other names: short protein forms T281P.
Identifiers: ClinVar variation 941384 (VCV000941384.13), dbSNP rs1733869871, ClinGen allele CA356737032.

ClinVar aggregate classification (germline): Uncertain significance. Review status: criteria provided, multiple submitters, no conflicts (2 of 4 stars). 2 submissions from 2 submitters: Uncertain significance (2). Last evaluated 2024-10-14.

Conditions:
Hereditary cancer-predisposing syndrome. Also called: Hereditary neoplastic syndrome; Neoplastic Syndromes, Hereditary; Tumor predisposition; Hereditary Cancer Syndrome. Identifiers: Orphanet 140162, MedGen C0027672, MeSH D009386, MONDO:0015356.
Haddad syndrome (OHD). Also called: Ondine-Hirschsprung disease. Identifiers: Orphanet 99803, MedGen C1859049, MONDO:0020493.

Submissions (2):

Ambry Genetics
Classification: Uncertain significance for Hereditary cancer-predisposing syndrome. Last evaluated: 2024-10-14. Review status: criteria provided, single submitter. Criteria: Ambry Variant Classification Scheme 2023. Collection method: clinical testing. Allele origin: germline.
Comment: The p.T281P variant (also known as c.841A>C), located in coding exon 3 of the PHOX2B gene, results from an A to C substitution at nucleotide position 841. The threonine at codon 281 is replaced by proline, an amino acid with highly similar properties. This amino acid position is conserved. In addition, the in silico prediction for this alteration is inconclusive. Since supporting evidence is limited at this time, the clinical significance of this alteration remains unclear.

Labcorp Genetics (formerly Invitae), Labcorp
Classification: Uncertain significance for Haddad syndrome. Last evaluated: 2019-05-21. Review status: criteria provided, single submitter. Criteria: Invitae Variant Classification Sherloc (09022015). Collection method: clinical testing. Allele origin: germline.
Comment: In summary, the available evidence is currently insufficient to determine the role of this variant in disease. Therefore, it has been classified as a Variant of Uncertain Significance. This variant has not been reported in the literature in individuals with PHOX2B-related conditions. This variant is not present in population databases (ExAC no frequency). This sequence change replaces threonine with proline at codon 281 of the PHOX2B protein (p.Thr281Pro). The threonine residue is highly conserved and there is a small physicochemical difference between threonine and proline.